The following is an entry in ClinVar:

ClinVar aggregate classification (germline): Uncertain significance (1 of 4 stars; one submission).

Allele frequency attached by ClinVar (database versions not stated): TOPMed below 0.00001; gnomAD 0.00003; gnomAD exomes 0.00005 and 0.00009; ExAC 0.00009; 1000 Genomes Project 30x 0.00031; 1000 Genomes Project 0.00040.
gnomAD v4.1: 78 of 1,609,056 alleles (0.0048%); highest among the groups gnomAD compares: South Asian, 0.083%; no homozygotes.

Submission:

Labcorp Genetics (formerly Invitae), Labcorp
Classification: Uncertain significance. Last evaluated: 2022-10-17. Review status: criteria provided, single submitter. Criteria: Invitae Variant Classification Sherloc (09022015). Collection method: clinical testing. Allele origin: germline.
Comment: This sequence change falls in intron 8 of the EFL1 gene. It does not directly change the encoded amino acid sequence of the EFL1 protein. It affects a nucleotide within the consensus splice site. This variant is present in population databases (rs537827718, gnomAD 0.07%). This variant has not been reported in the literature in individuals affected with EFL1-related conditions. ClinVar contains an entry for this variant (Variation ID: 1365794). Variants that disrupt the consensus splice site are a relatively common cause of aberrant splicing (PMID: 17576681, 9536098). Algorithms developed to predict the effect of sequence changes on RNA splicing suggest that this variant is not likely to affect RNA splicing. In summary, the available evidence is currently insufficient to determine the role of this variant in disease. Therefore, it has been classified as a Variant of Uncertain Significance.

Literature cited by the submitters: PubMed 17576681; PubMed 9536098.

NM_024580.6(EFL1):c.855+6G>A

Gene: EFL1 (elongation factor like GTPase 1; minus strand). Cytogenetic location: 15q25.2.
Variant type: single nucleotide variant.
Coding change: c.855+6G>A on transcript NM_024580.6 (MANE Select); 6 bases into the intron after coding-DNA position 855, G replaced by A.
Molecular consequence: intron variant.
Genome position (GRCh38, 1-based): chr15:82,230,842, C>T on the plus strand (G>A on the coding strand, the complement: EFL1 is on the minus strand). VCF-style: chr15-82230842-C-T. GRCh37 (hg19) VCF-style: chr15-82523183-C-T.
Other names: c.702+6G>A (NM_001040610.3); c.66+6G>A (NM_001322844.2); c.855+6G>A (NM_001322845.2).
Identifiers: ClinVar variation 1365794 (VCV001365794.3), dbSNP rs537827718, ClinGen allele CA7698182.